The following is an entry in ClinVar:

NM_006218.4(PIK3CA):c.340A>T (p.Asn114Tyr)

Gene: PIK3CA (phosphatidylinositol-4,5-bisphosphate 3-kinase catalytic subunit alpha; plus strand). Cytogenetic location: 3q26.32.
Variant type: single nucleotide variant.
Coding change: c.340A>T on transcript NM_006218.4 (MANE Select); coding-DNA position 340, A replaced by T.
Protein change: p.Asn114Tyr; replaces asparagine 114 with tyrosine.
Molecular consequence: missense variant.
Genome position (GRCh38, 1-based): chr3:179,199,165, A>T. VCF-style: chr3-179199165-A-T. GRCh37 (hg19) VCF-style: chr3-178916953-A-T.
Other names: short protein forms N114Y.
Identifiers: ClinVar variation 3418499 (VCV003418499.1).

ClinVar aggregate classification (germline): Uncertain significance (1 of 4 stars; one submission).

Conditions:
Inborn genetic diseases. Identifiers: MedGen C0950123, MeSH D030342.

Submission:

Ambry Genetics
Classification: Uncertain significance for Inborn genetic diseases. Last evaluated: 2024-09-24. Review status: criteria provided, single submitter. Criteria: Ambry Variant Classification Scheme 2023. Collection method: clinical testing. Allele origin: germline.
Comment: The p.N114Y variant (also known as c.340A>T), located in coding exon 1 of the PIK3CA gene, results from an A to T substitution at nucleotide position 340. The asparagine at codon 114 is replaced by tyrosine, an amino acid with dissimilar properties. This amino acid position is conserved. In addition, the in silico prediction for this alteration is inconclusive. Based on the available evidence, the clinical significance of this variant remains unclear.